The following is an entry in ClinVar:

NM_017882.3(CLN6):c.199-12T>G

Gene: CLN6 (CLN6 transmembrane ER protein; minus strand). Cytogenetic location: 15q23.
Variant type: single nucleotide variant.
Coding change: c.199-12T>G on transcript NM_017882.3 (MANE Select); 12 bases into the intron before coding-DNA position 199, T replaced by G.
Molecular consequence: intron variant.
Genome position (GRCh38, 1-based): chr15:68,214,400, A>C on the plus strand (T>G on the coding strand, the complement: CLN6 is on the minus strand). VCF-style: chr15-68214400-A-C. GRCh37 (hg19) VCF-style: chr15-68506738-A-C.
Identifiers: ClinVar variation 1990647 (VCV001990647.4), dbSNP rs2505415072, ClinGen allele CA2580089911.

ClinVar aggregate classification (germline): Uncertain significance (1 of 4 stars; one submission).

Conditions:
Neuronal ceroid lipofuscinosis. Also called: Neuronal Ceroid Lipofuscinoses. Identifiers: Orphanet 216, Orphanet 79263, MedGen C0027877, MONDO:0016295. Disease mechanism: loss of function.

Submission:

Labcorp Genetics (formerly Invitae), Labcorp
Classification: Uncertain significance for Neuronal ceroid lipofuscinosis. Last evaluated: 2022-09-01. Review status: criteria provided, single submitter. Criteria: Invitae Variant Classification Sherloc (09022015). Collection method: clinical testing. Allele origin: germline.
Comment: In summary, the available evidence is currently insufficient to determine the role of this variant in disease. Therefore, it has been classified as a Variant of Uncertain Significance. Algorithms developed to predict the effect of sequence changes on RNA splicing suggest that this variant may disrupt the consensus splice site. This variant has not been reported in the literature in individuals affected with CLN6-related conditions. This variant is not present in population databases (gnomAD no frequency). This sequence change falls in intron 2 of the CLN6 gene. It does not directly change the encoded amino acid sequence of the CLN6 protein.